The following is an entry in ClinVar:

NM_001199267.2(DGKZ):c.162-554_162-549dup

Gene: DGKZ (diacylglycerol kinase zeta; plus strand). Cytogenetic location: 11p11.2.
Variant type: Duplication.
Coding change: c.162-554_162-549dup on transcript NM_001199267.2 (MANE Select); 554 bases into the intron before coding-DNA position 162 through 549 bases into the intron before coding-DNA position 162, 6 bases duplicated (CGAGCC; older notation c.162-554_162-549dupCGAGCC).
Molecular consequence: intron variant.
Genome position (GRCh38, 1-based): chr11:46,366,737-46,366,742, CGAGCC duplicated; duplicating any 6 consecutive bases within chr11:46,366,736-46,366,742 gives the same sequence; the c. name uses the placement nearest the transcript's 3' end. VCF-style (leftmost placement, unchanged base first): chr11-46366735-G-GCCGAGC. GRCh37 (hg19) VCF-style: chr11-46388285-G-GCCGAGC.
Other names: c.481_486dup, p.Ala162_Ser163insArgAla (NM_001105540.2); c.213-554_213-549dup (NM_201532.3); c.177-554_177-549dup (NM_201533.3); c.162-554_162-549dup (NM_001199266.2, NM_003646.4, NM_001199268.2).
Identifiers: ClinVar variation 3649766 (VCV003649766.2).

ClinVar aggregate classification (germline): Uncertain significance (1 of 4 stars; one submission).

Submission:

Labcorp Genetics (formerly Invitae), Labcorp
Classification: Uncertain significance. Last evaluated: 2024-04-22. Review status: criteria provided, single submitter. Criteria: Invitae Variant Classification Sherloc (09022015). Collection method: clinical testing. Allele origin: germline.
Comment: This variant, c.481_486dup, results in the insertion of 2 amino acid(s) of the DGKZ protein (p.Arg161_Ala162dup), but otherwise preserves the integrity of the reading frame. This variant is not present in population databases (gnomAD no frequency). This variant has not been reported in the literature in individuals affected with DGKZ-related conditions. In summary, the available evidence is currently insufficient to determine the role of this variant in disease. Therefore, it has been classified as a Variant of Uncertain Significance.